The following is an entry in ClinVar:

ClinVar aggregate classification (germline): Pathogenic. Review status: criteria provided, multiple submitters, no conflicts (2 of 4 stars). 2 submissions from 2 submitters: Pathogenic (2). Last evaluated 2026-10-13.

Submissions (2):

GeneDx
Classification: Pathogenic. Last evaluated: 2026-10-13. Review status: criteria provided, single submitter. Criteria: GeneDx Variant Classification Process June 2021. Collection method: clinical testing. Allele origin: germline.
Comment: Not observed at significant frequency in large population cohorts (gnomAD); Has not been previously published as pathogenic or benign to our knowledge; Canonical splice site variant predicted to result in a null allele in a gene for which loss of function is a known mechanism of disease

CeGaT Center for Human Genetics Tuebingen
Classification: Pathogenic. Last evaluated: 2024-02-01. Review status: criteria provided, single submitter. Criteria: CeGaT Center For Human Genetics Tuebingen Variant Classification Criteria Version 2. Collection method: clinical testing. Allele origin: germline. Affected: yes. Observed: 1 variant allele.
Comment: SHANK3: PVS1, PM2

NM_001372044.2(SHANK3):c.2455+1G>C

Gene: SHANK3 (SH3 and multiple ankyrin repeat domains 3; plus strand). Cytogenetic location: 22q13.33.
Variant type: single nucleotide variant.
Coding change: c.2455+1G>C on transcript NM_001372044.2 (MANE Select); the canonical splice donor site of the intron after coding-DNA position 2455, G replaced by C.
Molecular consequence: splice donor variant.
Genome position (GRCh38, 1-based): chr22:50,715,048, G>C. VCF-style: chr22-50715048-G-C. GRCh37 (hg19) VCF-style: chr22-51153476-G-C.
Identifiers: ClinVar variation 2446166 (VCV002446166.25), dbSNP rs1396379503, ClinGen allele CA2580099955.